The following is an entry in ClinVar:

NM_018489.3(ASH1L):c.5310C>A (p.Val1770=)

Gene: ASH1L (ASH1 like histone lysine methyltransferase; minus strand). Cytogenetic location: 1q22.
Variant type: single nucleotide variant.
Coding change: c.5310C>A on transcript NM_018489.3 (MANE Select); coding-DNA position 5310, C replaced by A.
Protein change: p.Val1770=; no amino-acid change (valine 1770 retained).
Molecular consequence: synonymous variant.
Genome position (GRCh38, 1-based): chr1:155,438,845, G>T on the plus strand (C>A on the coding strand, the complement: ASH1L is on the minus strand). VCF-style: chr1-155438845-G-T. GRCh37 (hg19) VCF-style: chr1-155408636-G-T.
Other names: c.5310C>A, p.Val1770= (NM_001366177.2).
Identifiers: ClinVar variation 1694528 (VCV001694528.31), dbSNP rs61732805, ClinGen allele CA1146776.

ClinVar aggregate classification (germline): Benign (1 of 4 stars; one submission).

Allele frequency attached by ClinVar (database versions not stated): 1000 Genomes Project 0.00399; 1000 Genomes Project 30x 0.00500.
gnomAD v4.1: 19,265 of 1,614,114 alleles (1.2%); highest among the groups gnomAD compares: Non-Finnish European, 1.4%; 127 homozygotes.

Submission:

CeGaT Center for Human Genetics Tuebingen
Classification: Benign. Last evaluated: 2026-09-01. Review status: criteria provided, single submitter. Criteria: CeGaT Center For Human Genetics Tuebingen Variant Classification Criteria Version 2. Collection method: clinical testing. Allele origin: germline. Affected: yes. Observed: 64 variant alleles.
Comment: ASH1L: BP4, BP7, BS1, BS2